The following is an entry in ClinVar:

NM_001031689.3(PLAA):c.1559A>G (p.Asn520Ser)

Gene: PLAA (phospholipase A2 activating protein; minus strand). Cytogenetic location: 9p21.2.
Variant type: single nucleotide variant.
Coding change: c.1559A>G on transcript NM_001031689.3 (MANE Select); coding-DNA position 1559, A replaced by G.
Protein change: p.Asn520Ser; replaces asparagine 520 with serine.
Molecular consequence: missense variant.
Genome position (GRCh38, 1-based): chr9:26,910,436, T>C on the plus strand (A>G on the coding strand, the complement: PLAA is on the minus strand). VCF-style: chr9-26910436-T-C. GRCh37 (hg19) VCF-style: chr9-26910434-T-C.
Other names: c.1490A>G, p.Asn497Ser (NM_001321546.2); c.1559A>G (NM_001031689.2); short protein forms N497S, N520S.
Identifiers: ClinVar variation 2172871 (VCV002172871.2), dbSNP rs150830660, ClinGen allele CA5014289.

ClinVar aggregate classification (germline): Uncertain significance. Review status: criteria provided, multiple submitters, no conflicts (2 of 4 stars). 2 submissions from 2 submitters: Uncertain significance (2). Last evaluated 2025-09-28.

Conditions:
Inborn genetic diseases. Identifiers: MedGen C0950123, MeSH D030342.

Allele frequency attached by ClinVar (database versions not stated): gnomAD exomes 0.00008; ExAC 0.00012; TOPMed 0.00007; gnomAD 0.00012; ESP Exome Variant Server 0.00031.
gnomAD v4.1: 138 of 1,606,978 alleles (0.0086%); highest among the groups gnomAD compares: South Asian, 0.039%; no homozygotes.

Submissions (2):

Ambry Genetics
Classification: Uncertain significance for Inborn genetic diseases. Last evaluated: 2025-09-28. Review status: criteria provided, single submitter. Criteria: Ambry Variant Classification Scheme 2023. Collection method: clinical testing. Allele origin: germline.

Labcorp Genetics (formerly Invitae), Labcorp
Classification: Uncertain significance. Last evaluated: 2022-11-01. Review status: criteria provided, single submitter. Criteria: Invitae Variant Classification Sherloc (09022015). Collection method: clinical testing. Allele origin: germline.
Comment: This sequence change replaces asparagine, which is neutral and polar, with serine, which is neutral and polar, at codon 520 of the PLAA protein (p.Asn520Ser). This variant is present in population databases (rs150830660, gnomAD 0.03%). This variant has not been reported in the literature in individuals affected with PLAA-related conditions. Algorithms developed to predict the effect of missense changes on protein structure and function output the following: SIFT: "Tolerated"; PolyPhen-2: "Benign"; Align-GVGD: "Class C0". The serine amino acid residue is found in multiple mammalian species, which suggests that this missense change does not adversely affect protein function. In summary, the available evidence is currently insufficient to determine the role of this variant in disease. Therefore, it has been classified as a Variant of Uncertain Significance.